The following is an entry in ClinVar:

ClinVar aggregate classification (germline): Conflicting classifications of pathogenicity. Review status: criteria provided, conflicting classifications (1 of 4 stars). 2 submissions from 2 submitters: Uncertain significance (1); Likely benign (1). Last evaluated 2023-08-21.

Conditions:
Chédiak-Higashi syndrome (CHS). Also called: Chediak-Higashi Syndrome. Identifiers: Orphanet 167, MedGen C0007965, MONDO:0008963, OMIM 214500.
Inborn genetic diseases. Identifiers: MedGen C0950123, MeSH D030342.

Allele frequency attached by ClinVar (database versions not stated): gnomAD exomes 0.00001; ExAC 0.00002; gnomAD 0.00005; TOPMed 0.00009; ESP Exome Variant Server 0.00015.

Submissions (2):

Ambry Genetics
Classification: Likely benign for Inborn genetic diseases. Last evaluated: 2023-08-21. Review status: criteria provided, single submitter. Criteria: Ambry Variant Classification Scheme 2023. Collection method: clinical testing. Allele origin: germline.

Labcorp Genetics (formerly Invitae), Labcorp
Classification: Uncertain significance for Chédiak-Higashi syndrome. Last evaluated: 2021-11-22. Review status: criteria provided, single submitter. Criteria: Invitae Variant Classification Sherloc (09022015). Collection method: clinical testing. Allele origin: germline.
Comment: This sequence change replaces isoleucine, which is neutral and non-polar, with valine, which is neutral and non-polar, at codon 1043 of the LYST protein (p.Ile1043Val). This variant is present in population databases (rs144840340, gnomAD 0.01%). This variant has not been reported in the literature in individuals affected with LYST-related conditions. Algorithms developed to predict the effect of missense changes on protein structure and function output the following: SIFT: "Tolerated"; PolyPhen-2: "Benign"; Align-GVGD: "Class C0". The valine amino acid residue is found in multiple mammalian species, which suggests that this missense change does not adversely affect protein function. In summary, the available evidence is currently insufficient to determine the role of this variant in disease. Therefore, it has been classified as a Variant of Uncertain Significance.

NM_000081.4(LYST):c.3127A>G (p.Ile1043Val)

Gene: LYST (lysosomal trafficking regulator; minus strand). Cytogenetic location: 1q42.3.
Variant type: single nucleotide variant.
Coding change: c.3127A>G on transcript NM_000081.4 (MANE Select); coding-DNA position 3127, A replaced by G.
Protein change: p.Ile1043Val; replaces isoleucine 1043 with valine.
Molecular consequence: missense variant.
Genome position (GRCh38, 1-based): chr1:235,806,009, T>C on the plus strand (A>G on the coding strand, the complement: LYST is on the minus strand). VCF-style: chr1-235806009-T-C. GRCh37 (hg19) VCF-style: chr1-235969309-T-C.
Other names: c.3127A>G (NM_000081.2); c.3127A>G, p.Ile1043Val (NM_001301365.1); short protein forms I1043V.
Identifiers: ClinVar variation 1353118 (VCV001353118.4), dbSNP rs144840340, ClinGen allele CA1467137.